The following is an entry in ClinVar:

NM_000090.4(COL3A1):c.546C>A (p.Pro182=)

Gene: COL3A1 (collagen type III alpha 1 chain; plus strand). Cytogenetic location: 2q32.2.
Variant type: single nucleotide variant.
Coding change: c.546C>A on transcript NM_000090.4 (MANE Select); coding-DNA position 546, C replaced by A.
Protein change: p.Pro182=; no amino-acid change (proline 182 retained).
Molecular consequence: synonymous variant.
Genome position (GRCh38, 1-based): chr2:188,988,098, C>A. VCF-style: chr2-188988098-C-A. GRCh37 (hg19) VCF-style: chr2-189852824-C-A.
Identifiers: ClinVar variation 581891 (VCV000581891.12), dbSNP rs754584062, ClinGen allele CA62588192.
Genomic context (GRCh38, chr2:188,988,098, plus strand): 5'-TTGCATTCATTTATTTTGTTTTTCATTCAAATTCACATTCCAGGGCCCCCCAGGCCCTCC[C>A]GGTCCCCCTGGTACATCTGGTCATCCTGGTTCCCCTGTAAGTATAGCCATTGGTGGTGTT-3'
Protein context (NP_000081.2, residues 172-192): YPGPAGPPGP[Pro182=]GPPGTSGHPG

ClinVar aggregate classification (germline): Likely benign. Review status: criteria provided, multiple submitters, no conflicts (2 of 4 stars). 3 submissions from 3 submitters: Likely benign (3). Last evaluated 2025-09-01.

Conditions:
Familial thoracic aortic aneurysm and aortic dissection (TAAD). Also called: Thoracic aortic aneurysms and dissections. Identifiers: Orphanet 91387, MedGen C4707243, MONDO:0019625.
Ehlers-Danlos syndrome, type 4 (EDSVASC). Also called: Ehlers-Danlos syndrome vascular type; Ehlers Danlos syndrome, ecchymotic type; Ehlers Danlos syndrome, arterial type; Ehlers Danlos syndrome, Sack-Barabas type; Ehlers-Danlos Syndrome Type IV. Identifiers: Orphanet 286, MedGen C0268338, MONDO:0017314, OMIM 130050.

Allele frequency attached by ClinVar (database versions not stated): TOPMed 0.00005.
gnomAD v4.1: 1 of 1,612,624 alleles (0.000062%); no homozygotes.

Submissions (3):

Labcorp Genetics (formerly Invitae), Labcorp
Classification: Likely benign for Ehlers-Danlos syndrome, type 4. Last evaluated: 2025-09-01. Review status: criteria provided, single submitter. Criteria: Invitae Variant Classification Sherloc (09022015). Collection method: clinical testing. Allele origin: germline.

All of Us Research Program, National Institutes of Health
Classification: Likely benign for Ehlers-Danlos syndrome, type 4. Last evaluated: 2023-05-31. Review status: criteria provided, single submitter. Criteria: ACMG Guidelines, 2015. Collection method: clinical testing. Allele origin: germline. Inheritance: Autosomal dominant inheritance. Observed: 1 variant allele, 1 heterozygote.
Comment: This study involves interpretation of variants in research participants for the purpose of population health screening. Participant phenotype was not available at the time of variant classification. Additional details can be found in publication PMID: 35346344, PMCID: PMC8962531

Color Diagnostics, LLC DBA Color Health
Classification: Likely benign for Familial thoracic aortic aneurysm and aortic dissection. Last evaluated: 2021-03-15. Review status: criteria provided, single submitter. Criteria: ACMG Guidelines, 2015. Collection method: clinical testing. Allele origin: germline.